The following is an entry in ClinVar:

ClinVar aggregate classification (germline): Uncertain significance (1 of 4 stars; one submission).

Conditions:
Hereditary cancer-predisposing syndrome. Also called: Tumor predisposition; Neoplastic Syndromes, Hereditary; Hereditary Cancer Syndrome; Hereditary neoplastic syndrome. Identifiers: Orphanet 140162, MedGen C0027672, MeSH D009386, MONDO:0015356.

Submission:

Ambry Genetics
Classification: Uncertain significance for Hereditary cancer-predisposing syndrome. Last evaluated: 2024-07-03. Review status: criteria provided, single submitter. Criteria: Ambry Variant Classification Scheme 2023. Collection method: clinical testing. Allele origin: germline.
Comment: The p.E220D variant (also known as c.660A>T), located in coding exon 5 of the DICER1 gene, results from an A to T substitution at nucleotide position 660. The glutamic acid at codon 220 is replaced by aspartic acid, an amino acid with highly similar properties. This amino acid position is conserved. In addition, this alteration is predicted to be tolerated by in silico analysis. Based on the available evidence, the clinical significance of this variant remains unclear.

NM_177438.3(DICER1):c.660A>T (p.Glu220Asp)

Gene: DICER1 (dicer 1, ribonuclease III; minus strand). Cytogenetic location: 14q32.13.
Variant type: single nucleotide variant.
Coding change: c.660A>T on transcript NM_177438.3 (MANE Select); coding-DNA position 660, A replaced by T.
Protein change: p.Glu220Asp; replaces glutamic acid 220 with aspartic acid.
Molecular consequence: missense variant. On other transcripts: 5 prime UTR variant (1), non-coding transcript variant (6).
Genome position (GRCh38, 1-based): chr14:95,129,546, T>A on the plus strand (A>T on the coding strand, the complement: DICER1 is on the minus strand). VCF-style: chr14-95129546-T-A. GRCh37 (hg19) VCF-style: chr14-95595883-T-A.
Other names: c.660A>T, p.Glu220Asp (NM_001195573.1, NM_001271282.3, NM_001291628.2 and 14 more transcripts); c.378A>T, p.Glu126Asp (NM_001395686.1); c.255A>T, p.Glu85Asp (NM_001395687.1, NM_001395688.1, NM_001395689.1 and 3 more transcripts); c.93A>T, p.Glu31Asp (NM_001395691.1); c.-909A>T (NM_001395697.1); short protein forms E31D, E85D, E126D, E220D.
Identifiers: ClinVar variation 3501844 (VCV003501844.1).